The following is an entry in ClinVar:

NM_000059.4(BRCA2):c.4938A>G (p.Glu1646=)

Gene: BRCA2 (BRCA2 DNA repair associated; plus strand). Cytogenetic location: 13q13.1.
Variant type: single nucleotide variant.
Coding change: c.4938A>G on transcript NM_000059.4 (MANE Select); coding-DNA position 4938, A replaced by G.
Protein change: p.Glu1646=; no amino-acid change (glutamic acid 1646 retained).
Molecular consequence: synonymous variant.
Genome position (GRCh38, 1-based): chr13:32,339,293, A>G. VCF-style: chr13-32339293-A-G. GRCh37 (hg19) VCF-style: chr13-32913430-A-G.
Identifiers: ClinVar variation 220054 (VCV000220054.19), dbSNP rs864622359, ClinGen allele CA349941.

ClinVar aggregate classification (germline): Likely benign. Review status: reviewed by expert panel (3 of 4 stars). 6 submissions from 6 submitters: Likely benign (1). 5 of the submissions do not count toward it. Last evaluated 2017-06-29.

Conditions:
Hereditary cancer-predisposing syndrome. Also called: Tumor predisposition; Hereditary neoplastic syndrome; Neoplastic Syndromes, Hereditary; Hereditary Cancer Syndrome. Identifiers: Orphanet 140162, MedGen C0027672, MeSH D009386, MONDO:0015356.
Hereditary breast ovarian cancer syndrome. Also called: Hereditary breast and ovarian cancer; BRCA1- and BRCA2-Associated Hereditary Breast and Ovarian Cancer; Hereditary breast and/or ovarian cancer syndrome; Hereditary breast and ovarian cancer syndrome; Hereditary breast and ovarian cancer syndrome (HBOC); Breast and ovarian cancer. Identifiers: Orphanet 145, MedGen C0677776, MeSH D061325, MONDO:0003582. Disease mechanism: loss of function.
Breast-ovarian cancer, familial, susceptibility to, 2 (BROVCA2). Also called: BRCA2 Hereditary Breast and Ovarian Cancer. Identifiers: Orphanet 145, MedGen C2675520, MONDO:0012933, OMIM 612555. Disease mechanism: loss of function.

Allele frequency attached by ClinVar (database versions not stated): TOPMed below 0.00001; gnomAD 0.00001.

Submissions (6):

Evidence-based Network for the Interpretation of Germline Mutant Alleles (ENIGMA)
Classification: Likely benign for Breast-ovarian cancer, familial, susceptibility to, 2. Last evaluated: 2017-06-29. Review status: reviewed by expert panel. Criteria: ENIGMA BRCA1/2 Classification Criteria (2017-06-29). Collection method: curation. Allele origin: germline.
Comment: Synonymous substitution variant, with low bioinformatic likelihood to result in a splicing aberration (Splicing prior probability 0.02).

Labcorp Genetics (formerly Invitae), Labcorp
Classification: Likely benign for Hereditary breast ovarian cancer syndrome. Last evaluated: 2025-06-09. Review status: criteria provided, single submitter. Criteria: Invitae Variant Classification Sherloc (09022015). Collection method: clinical testing. Allele origin: germline. Not counted in ClinVar's aggregate classification.

Women's Health and Genetics/Laboratory Corporation of America, LabCorp
Classification: Likely benign. Last evaluated: 2025-03-03. Review status: criteria provided, single submitter. Criteria: LabCorp Variant Classification Summary - May 2015. Collection method: clinical testing. Allele origin: germline. Not counted in ClinVar's aggregate classification.
Comment: Variant summary: BRCA2 c.4938A>G alters a non-conserved nucleotide resulting in a synonymous change. Consensus agreement among computation tools predict no significant impact on normal splicing. However, these predictions have yet to be confirmed by functional studies. The variant was absent in 243500 control chromosomes. The available data on variant occurrences in the general population are insufficient to allow any conclusion about variant significance. To our knowledge, no occurrence of c.4938A>G in individuals affected with Hereditary Breast And Ovarian Cancer Syndrome and no experimental evidence demonstrating its impact on protein function have been reported. ClinVar contains an entry for this variant (Variation ID: 220054). Based on the evidence outlined above, the variant was classified as likely benign.

All of Us Research Program, National Institutes of Health
Classification: Likely benign for Breast-ovarian cancer, familial, susceptibility to, 2. Last evaluated: 2023-09-17. Review status: criteria provided, single submitter. Criteria: ACMG Guidelines, 2015. Collection method: clinical testing. Allele origin: germline. Inheritance: Autosomal dominant inheritance. Observed: 2 variant alleles, 2 heterozygotes. Not counted in ClinVar's aggregate classification.
Comment: This study involves interpretation of variants in research participants for the purpose of population health screening. Participant phenotype was not available at the time of variant classification. Additional details can be found in publication PMID: 35346344, PMCID: PMC8962531

Color Diagnostics, LLC DBA Color Health
Classification: Likely benign for Hereditary cancer-predisposing syndrome. Last evaluated: 2018-09-23. Review status: criteria provided, single submitter. Criteria: ACMG Guidelines, 2015. Collection method: clinical testing. Allele origin: germline. Not counted in ClinVar's aggregate classification.

Ambry Genetics
Classification: Likely benign for Hereditary cancer-predisposing syndrome. Last evaluated: 2017-09-11. Review status: criteria provided, single submitter. Criteria: Ambry Variant Classification Scheme 2023. Collection method: clinical testing. Allele origin: germline. Not counted in ClinVar's aggregate classification.